The following is an entry in ClinVar:

ClinVar aggregate classification (germline): Uncertain significance (1 of 4 stars; one submission).

Submission:

Labcorp Genetics (formerly Invitae), Labcorp
Classification: Uncertain significance. Last evaluated: 2025-10-20. Review status: criteria provided, single submitter. Criteria: Invitae Variant Classification Sherloc (09022015). Collection method: clinical testing. Allele origin: germline.
Comment: This sequence change creates a premature translational stop signal (p.Arg208*) in the NEDD4L gene. It is expected to result in an absent or disrupted protein product. However, the current clinical and genetic evidence is not sufficient to establish whether loss-of-function variants in NEDD4L cause disease. This variant is not present in population databases (gnomAD no frequency). This variant has not been reported in the literature in individuals affected with NEDD4L-related conditions. In summary, the available evidence is currently insufficient to determine the role of this variant in disease. Therefore, it has been classified as a Variant of Uncertain Significance.

NM_001144967.3(NEDD4L):c.622C>T (p.Arg208Ter)

Gene: NEDD4L (NEDD4 like E3 ubiquitin protein ligase; plus strand). Cytogenetic location: 18q21.31.
Variant type: single nucleotide variant.
Coding change: c.622C>T on transcript NM_001144967.3 (MANE Select); coding-DNA position 622, C replaced by T.
Protein change: p.Arg208Ter; replaces arginine 208 with a stop codon.
Molecular consequence: nonsense.
Genome position (GRCh38, 1-based): chr18:58,325,104, C>T. VCF-style: chr18-58325104-C-T. GRCh37 (hg19) VCF-style: chr18-55992336-C-T.
Other names: c.259C>T, p.Arg87Ter (NM_001144964.1, NM_001144965.2, NM_001144966.3 and 2 more transcripts); c.598C>T, p.Arg200Ter (NM_001144968.2, NM_001144969.2); c.622C>T, p.Arg208Ter (NM_001243960.2, NM_015277.6); c.1459C>T, p.Arg487Ter (NM_001437337.1); short protein forms R87*, R200*, R487*, R208*.
Identifiers: ClinVar variation 4692622 (VCV004692622.1).